The following is an entry in ClinVar:

ClinVar aggregate classification (germline): Uncertain significance. Review status: criteria provided, multiple submitters, no conflicts (2 of 4 stars). 3 submissions from 3 submitters: Uncertain significance (3). Last evaluated 2025-05-17.

Conditions:
Hereditary cancer-predisposing syndrome. Also called: Tumor predisposition; Neoplastic Syndromes, Hereditary; Hereditary neoplastic syndrome; Hereditary Cancer Syndrome. Identifiers: Orphanet 140162, MedGen C0027672, MeSH D009386, MONDO:0015356.
Gastrointestinal stromal tumor. Also called: Gastrointestinal stromal tumor, somatic; Gastrointestinal stroma tumor. Identifiers: Orphanet 44890, MedGen C0238198, MeSH D046152, MONDO:0011719, OMIM 606764, HP:0100723.

gnomAD v4.1: 3 of 1,613,590 alleles (0.00019%); highest among the groups gnomAD compares: Non-Finnish European, 0.00025%; no homozygotes.

Submissions (3):

Ambry Genetics
Classification: Uncertain significance for Hereditary cancer-predisposing syndrome. Last evaluated: 2025-05-17. Review status: criteria provided, single submitter. Criteria: Ambry Variant Classification Scheme 2023. Collection method: clinical testing. Allele origin: germline.
Comment: The p.P114T variant (also known as c.340C>A), located in coding exon 3 of the KIT gene, results from a C to A substitution at nucleotide position 340. The proline at codon 114 is replaced by threonine, an amino acid with highly similar properties. This amino acid position is conserved. In addition, the in silico prediction for this alteration is inconclusive. Since supporting evidence is limited at this time, the clinical significance of this alteration remains unclear.

Labcorp Genetics (formerly Invitae), Labcorp
Classification: Uncertain significance for Gastrointestinal stromal tumor. Last evaluated: 2023-12-16. Review status: criteria provided, single submitter. Criteria: Invitae Variant Classification Sherloc (09022015). Collection method: clinical testing. Allele origin: germline.
Comment: This sequence change replaces proline, which is neutral and non-polar, with threonine, which is neutral and polar, at codon 114 of the KIT protein (p.Pro114Thr). This variant is not present in population databases (gnomAD no frequency). This variant has not been reported in the literature in individuals affected with KIT-related conditions. ClinVar contains an entry for this variant (Variation ID: 1037368). An algorithm developed to predict the effect of missense changes on protein structure and function (PolyPhen-2) suggests that this variant is likely to be disruptive. In summary, the available evidence is currently insufficient to determine the role of this variant in disease. Therefore, it has been classified as a Variant of Uncertain Significance.

GeneDx
Classification: Uncertain significance. Last evaluated: 2022-11-02. Review status: criteria provided, single submitter. Criteria: GeneDx Variant Classification Process June 2021. Collection method: clinical testing. Allele origin: germline. Affected: yes.
Comment: Not observed at significant frequency in large population cohorts (gnomAD); In silico analysis supports that this missense variant has a deleterious effect on protein structure/function; Has not been previously published as pathogenic or benign to our knowledge

NM_000222.3(KIT):c.340C>A (p.Pro114Thr)

Gene: KIT (KIT proto-oncogene, receptor tyrosine kinase; plus strand). Cytogenetic location: 4q12.
Variant type: single nucleotide variant.
Coding change: c.340C>A on transcript NM_000222.3 (MANE Select); coding-DNA position 340, C replaced by A.
Protein change: p.Pro114Thr; replaces proline 114 with threonine.
Molecular consequence: missense variant.
Genome position (GRCh38, 1-based): chr4:54,698,286, C>A. VCF-style: chr4-54698286-C-A. GRCh37 (hg19) VCF-style: chr4-55564452-C-A.
Other names: c.340C>A, p.Pro114Thr (NM_001093772.2, NM_001385284.1, NM_001385285.1 and 4 more transcripts); short protein forms P114T.
Identifiers: ClinVar variation 1037368 (VCV001037368.13), dbSNP rs772836939, ClinGen allele CA2923226.
Genomic context (GRCh38, chr4:54,698,286, plus strand): 5'-TGTTTTCAGTGTCTGTGACCAGCCATTCCAACTACTGATTTTGGATATGCTTCTATAGAT[C>A]CTGCCAAGCTTTTCCTTGTTGACCGCTCCTTGTATGGGAAAGAAGACAACGACACGCTGG-3'
Protein context (NP_000213.1, residues 104-124): SNSIYVFVRD[Pro114Thr]AKLFLVDRSL